The following is an entry in ClinVar:

NM_006005.3(WFS1):c.1868T>A (p.Met623Lys)

Gene: WFS1 (wolframin ER transmembrane glycoprotein; plus strand). Cytogenetic location: 4p16.1.
Variant type: single nucleotide variant.
Coding change: c.1868T>A on transcript NM_006005.3 (MANE Select); coding-DNA position 1868, T replaced by A.
Protein change: p.Met623Lys; replaces methionine 623 with lysine.
Molecular consequence: missense variant.
Genome position (GRCh38, 1-based): chr4:6,301,663, T>A. VCF-style: chr4-6301663-T-A. GRCh37 (hg19) VCF-style: chr4-6303390-T-A.
Other names: c.1868T>A, p.Met623Lys (NM_001145853.1); short protein forms M623K.
Identifiers: ClinVar variation 393389 (VCV000393389.12), dbSNP rs758746685, ClinGen allele CA16609252.
Genomic context (GRCh38, chr4:6,301,663, plus strand): 5'-TCTGTAGTGTGCCCCTGCTGTTGCGCTGGTGGACCAAGGCCAGCTTCTCTGTGGTGGGGA[T>A]GGTGAAGTCCCTGACGCGGAGCTCCATGGTCAAGCTCATCCTGGTGTGGCTCACGGCCAT-3'
Protein context (NP_005996.2, residues 613-633): WTKASFSVVG[Met623Lys]VKSLTRSSMV

ClinVar aggregate classification (germline): Uncertain significance/Uncertain risk allele. Review status: criteria provided, multiple submitters, no conflicts (2 of 4 stars). 6 submissions from 6 submitters: Uncertain significance (5); Uncertain risk allele (1). Last evaluated 2026-04-15.

Conditions:
WFS1-related disorder. Identifiers: MedGen CN379391, MONDO:0700293.
Monogenic diabetes. Identifiers: Orphanet 183625, MedGen C3888631, MONDO:0015967.
Wolfram syndrome 1 (WFS1). Identifiers: Orphanet 3463, MedGen C4551693, MONDO:0009101, OMIM 222300.

Allele frequency attached by ClinVar (database versions not stated): TOPMed 0.00001.
gnomAD v4.1: 3 of 1,614,032 alleles (0.00019%); highest among the groups gnomAD compares: Non-Finnish European, 0.00025%; no homozygotes.

Submissions (6):

PreventionGenetics, part of Exact Sciences
Classification: Uncertain significance for WFS1-related condition. Last evaluated: 2026-04-15. Review status: criteria provided, single submitter. Criteria: ACMG Guidelines, 2015. Collection method: clinical testing. Allele origin: germline.
Comment: The WFS1 c.1868T>A variant is predicted to result in the amino acid substitution p.Met623Lys. To our knowledge, this variant has not been reported in the literature. This variant is reported in 0.00088% of alleles in individuals of European (Non-Finnish) descent in gnomAD. At this time, the clinical significance of this variant is uncertain due to the absence of conclusive functional and genetic evidence.

GeneDx
Classification: Uncertain significance. Last evaluated: 2026-03-20. Review status: criteria provided, single submitter. Criteria: GeneDx Variant Classification Process June 2021. Collection method: clinical testing. Allele origin: germline.
Comment: Not observed at significant frequency in large population cohorts (gnomAD); In silico analysis suggests that this missense variant does not alter protein structure/function; Has not been previously published as pathogenic or benign to our knowledge

Labcorp Genetics (formerly Invitae), Labcorp
Classification: Uncertain significance. Last evaluated: 2025-10-13. Review status: criteria provided, single submitter. Criteria: Invitae Variant Classification Sherloc (09022015). Collection method: clinical testing. Allele origin: germline.
Comment: This sequence change replaces methionine, which is neutral and non-polar, with lysine, which is basic and polar, at codon 623 of the WFS1 protein (p.Met623Lys). This variant is present in population databases (no rsID available, gnomAD 0.0009%). This variant has not been reported in the literature in individuals affected with WFS1-related conditions. ClinVar contains an entry for this variant (Variation ID: 393389). Invitae Evidence Modeling of protein sequence and biophysical properties (such as structural, functional, and spatial information, amino acid conservation, physicochemical variation, residue mobility, and thermodynamic stability) indicates that this missense variant is not expected to disrupt WFS1 protein function with a negative predictive value of 95%. In summary, the available evidence is currently insufficient to determine the role of this variant in disease. Therefore, it has been classified as a Variant of Uncertain Significance.

Blueprint Genetics
Classification: Uncertain significance. Last evaluated: 2022-03-04. Review status: criteria provided, single submitter. Criteria: ACMG Guidelines, 2015. Collection method: clinical testing. Allele origin: germline.

Personalized Diabetes Medicine Program, University of Maryland School of Medicine
Classification: Uncertain significance for Monogenic diabetes. Last evaluated: 2016-04-22. Review status: criteria provided, single submitter. Criteria: ACMG Guidelines, 2015. Collection method: research. Allele origin: unknown. Observed: 1 variant allele, 1 heterozygote.
Comment: ACMG Criteria: PM2, PP3, BP4

Clinical Genomics, Uppaluri K&H Personalized Medicine Clinic
Classification: Uncertain risk allele for Wolfram syndrome 1. Review status: criteria provided, single submitter. Criteria: K & H Uppaluri Personalized Medicine Clinic Variant Classification & Assertion Criteria_Updated V.1. Collection method: research. Allele origin: unknown. Inheritance: Autosomal recessive inheritance.
Comment: Potent mutations in WFS1 gene are associated with Wolfram's syndrome, an autosomal recessive condition, which cause diabetes mellitus, diabetes insipidus, deafness and optic atrophy. However no sufficient evidence is found to ascertain the role of this particular variant rs758746685 in Wolfram's syndrome yet.

Literature cited by the submitters: PubMed 20738327 (cited by Clinical Genomics, Uppaluri K&H Personalized Medicine Clinic); PubMed 33879153 (cited by Clinical Genomics, Uppaluri K&H Personalized Medicine Clinic); PubMed 12955714 (cited by Clinical Genomics, Uppaluri K&H Personalized Medicine Clinic); PubMed 18060660 (cited by Clinical Genomics, Uppaluri K&H Personalized Medicine Clinic); PubMed 20301750 (cited by Clinical Genomics, Uppaluri K&H Personalized Medicine Clinic); PubMed 17603484 (cited by Clinical Genomics, Uppaluri K&H Personalized Medicine Clinic).